The following is an entry in ClinVar:

ClinVar aggregate classification (germline): Likely benign. Review status: criteria provided, multiple submitters, no conflicts (2 of 4 stars). 2 submissions from 2 submitters: Likely benign (2). Last evaluated 2018-06-16.

Allele frequency attached by ClinVar (database versions not stated): 1000 Genomes Project 0.01398; 1000 Genomes Project 30x 0.01452; TOPMed 0.01459; gnomAD 0.01478 and 0.01494.
gnomAD v4.1: 12,959 of 832,110 alleles (1.6%); highest among the groups gnomAD compares: South Asian, 2%; 125 homozygotes.

Submissions (2):

GeneDx
Classification: Likely benign. Last evaluated: 2018-06-16. Review status: criteria provided, single submitter. Criteria: GeneDx Variant Classification (06012015). Collection method: clinical testing. Allele origin: germline. Affected: yes.
Comment: This variant is considered likely benign or benign based on one or more of the following criteria: it is a conservative change, it occurs at a poorly conserved position in the protein, it is predicted to be benign by multiple in silico algorithms, and/or has population frequency not consistent with disease.

Breakthrough Genomics
Classification: Likely benign. Review status: criteria provided, single submitter. Criteria: ACMG Guidelines, 2015. Collection method: not provided. Allele origin: germline. Inheritance: Autosomal dominant inheritance. Affected: yes.

NM_000093.5(COL5A1):c.1389+139G>A

Gene: COL5A1 (collagen type V alpha 1 chain; plus strand). Cytogenetic location: 9q34.3.
Variant type: single nucleotide variant.
Coding change: c.1389+139G>A on transcript NM_000093.5 (MANE Select); 139 bases into the intron after coding-DNA position 1389, G replaced by A.
Molecular consequence: intron variant.
Genome position (GRCh38, 1-based): chr9:134,732,266, G>A. VCF-style: chr9-134732266-G-A. GRCh37 (hg19) VCF-style: chr9-137624112-G-A.
Other names: c.1389+139G>A (NM_001278074.1).
Identifiers: ClinVar variation 674552 (VCV000674552.2), dbSNP rs114940455, ClinGen allele CA13060235.